The following is an entry in ClinVar:

ClinVar aggregate classification (germline): Conflicting classifications of pathogenicity. Review status: criteria provided, conflicting classifications (1 of 4 stars). 16 submissions from 15 submitters: Uncertain significance (1); Benign (7); Likely benign (1). 7 of the submissions do not count toward it. Last evaluated 2026-02-04.

Conditions:
Disorders of Intracellular Cobalamin Metabolism. Identifiers: MedGen CN043592.
Methylcobalamin deficiency type cblE (HMAE). Also called: HOMOCYSTINURIA-MEGALOBLASTIC ANEMIA, cblE TYPE; VITAMIN B12-RESPONSIVE HOMOCYSTINURIA, cblE TYPE; HOMOCYSTINURIA-MEGALOBLASTIC ANEMIA, cblE COMPLEMENTATION TYPE. Identifiers: Orphanet 2169, Orphanet 622, MedGen C1856057, MONDO:0009354, OMIM 236270.
Neural tube defects, folate-sensitive (NTDFS). Also called: NTD, FOLATE-SENSITIVE. Identifiers: Orphanet 823, MedGen C1866558, MONDO:0011120, OMIM 601634.
Gastrointestinal stromal tumor. Also called: Gastrointestinal stroma tumor; Gastrointestinal stromal tumor, somatic. Identifiers: Orphanet 44890, MedGen C0238198, MeSH D046152, MONDO:0011719, OMIM 606764, HP:0100723.
Neural tube defects, folate-sensitive, susceptibility to.
Down syndrome, susceptibility to.
Methotrexate response. Identifiers: MedGen CN298568.

Allele frequency attached by ClinVar (database versions not stated): ExAC 0.47303; TOPMed 0.42067; gnomAD 0.44938 and 0.44947; gnomAD exomes 0.46581 and 0.53353; 1000 Genomes Project 30x 0.35821; 1000 Genomes Project 0.36422.
gnomAD v4.1: 846,433 of 1,613,968 alleles (52%); highest among the groups gnomAD compares: Non-Finnish European, 56%; 229,509 homozygotes.

Submissions (16):

Labcorp Genetics (formerly Invitae), Labcorp
Classification: Benign for Methylcobalamin deficiency type cblE. Last evaluated: 2026-02-04. Review status: criteria provided, single submitter. Criteria: Invitae Variant Classification Sherloc (09022015). Collection method: clinical testing. Allele origin: germline.

Women's Health and Genetics/Laboratory Corporation of America, LabCorp
Classification: Likely benign. Last evaluated: 2024-11-11. Review status: criteria provided, single submitter. Criteria: LabCorp Variant Classification Summary - May 2015. Collection method: clinical testing. Allele origin: germline.

Genome-Nilou Lab
Classification: Benign for Methylcobalamin deficiency type cblE. Last evaluated: 2021-09-05. Review status: criteria provided, single submitter. Criteria: ACMG Guidelines, 2015. Collection method: clinical testing. Allele origin: germline. Affected: no.

Pars Genome Lab
Classification: Benign for Methylcobalamin deficiency type cblE. Last evaluated: 2021-06-19. Review status: criteria provided, single submitter. Criteria: ACMG Guidelines, 2015. Collection method: clinical testing. Allele origin: germline. Affected: no.

Illumina Laboratory Services, Illumina
Classification: Benign for Disorders of Intracellular Cobalamin Metabolism. Last evaluated: 2018-03-06. Review status: criteria provided, single submitter. Criteria: ICSL Variant Classification Criteria 13 December 2019. Collection method: clinical testing. Allele origin: germline.
Comment: This variant was observed in the ICSL laboratory as part of a predisposition screen in an ostensibly healthy population. It had not been previously curated by ICSL or reported in the Human Gene Mutation Database (HGMD: prior to June 1st, 2018), and was therefore a candidate for classification through an automated scoring system. Utilizing variant allele frequency, disease prevalence and penetrance estimates, and inheritance mode, an automated score was calculated to assess if this variant is too frequent to cause the disease. Based on the score and internal cut-off values, a variant classified as benign is not then subjected to further curation. The score for this variant resulted in a classification of benign for this disease.

GeneDx
Classification: Benign. Last evaluated: 2013-08-26. Review status: criteria provided, single submitter. Criteria: GeneDx Variant Classification (06012015). Collection method: clinical testing. Allele origin: germline. Affected: yes.
Comment: This variant is considered likely benign or benign based on one or more of the following criteria: it is a conservative change, it occurs at a poorly conserved position in the protein, it is predicted to be benign by multiple in silico algorithms, and/or has population frequency not consistent with disease.

Breakthrough Genomics
Classification: Benign. Review status: criteria provided, single submitter. Criteria: ACMG Guidelines, 2015. Collection method: not provided. Allele origin: germline. Inheritance: Autosomal recessive inheritance. Affected: yes.

Juno Genomics, Hangzhou Juno Genomics, Inc
Classification: Uncertain significance for Neural tube defects, folate-sensitive; Methylcobalamin deficiency type cblE. Review status: criteria provided, single submitter. Criteria: ACMG Guidelines, 2015. Collection method: clinical testing. Allele origin: germline.

PreventionGenetics, part of Exact Sciences
Classification: Benign. Review status: criteria provided, single submitter. Criteria: ACMG Guidelines, 2015. Collection method: clinical testing. Allele origin: germline.

Center of Excellence in Clinical Pharmacokinetics and Pharmacogenomics, Faculty of Medicine, Chulalongkorn University
Classification: drug response for methotrexate response. Last evaluated: 2023-04-16. Review status: no assertion criteria provided. Collection method: research. Allele origin: germline. Affected: yes. Observed: 40 variant alleles, 6 homozygotes, 34 hemizygotes. Clinical features observed: Acute kidney injury (HP:0001919). Not counted in ClinVar's aggregate classification.
Comment: There was a significant risk of acute kidney injury at 24 hours after methotrexate administration intravenously with MTRR rs1801394 allele A compared to variant allele G (OR (95%CI) = 2.084 (1.001-4.301), p = 0.047.

likely toxicity

Natera, Inc.
Classification: Benign for CblE complementation type homocystinuria-megaloblastic anemia due to defect in cobalamin metabolism. Last evaluated: 2020-09-16. Review status: no assertion criteria provided. Collection method: clinical testing. Allele origin: germline. Not counted in ClinVar's aggregate classification.

OMIM
Classification: risk factor for NEURAL TUBE DEFECTS, FOLATE-SENSITIVE, SUSCEPTIBILITY TO. Last evaluated: 2005-07-01. Review status: no assertion criteria provided. Collection method: literature only. Allele origin: germline. Not counted in ClinVar's aggregate classification.

OMIM
Classification: risk factor for DOWN SYNDROME, SUSCEPTIBILITY TO. Last evaluated: 2005-07-01. Review status: no assertion criteria provided. Collection method: literature only. Allele origin: germline. Not counted in ClinVar's aggregate classification.

Clinical Genetics, Academic Medical Center
Classification: Benign. Review status: no assertion criteria provided. Collection method: clinical testing. Allele origin: germline. Affected: yes. Study: VKGL Data-share Consensus. Not counted in ClinVar's aggregate classification.

Department of Pharmacy and Biotechnology, University of Bologna
Classification: Uncertain significance for Gastrointestinal Stromal Tumors. Review status: no assertion criteria provided. Collection method: case-control. Allele origin: germline. Affected: yes. Observed: 39 variant alleles, 30 heterozygotes, 9 homozygotes. Not counted in ClinVar's aggregate classification.

Diagnostic Laboratory, Department of Genetics, University Medical Center Groningen
Classification: Benign. Review status: no assertion criteria provided. Collection method: clinical testing. Allele origin: germline. Affected: yes. Study: VKGL Data-share Consensus. Not counted in ClinVar's aggregate classification.

Literature cited by the submitters: PubMed 38678107 (cited by Center of Excellence in Clinical Pharmacokinetics and Pharmacogenomics, Faculty of Medicine, Chulalongkorn University); PubMed 9501215 (cited by OMIM); PubMed 10444342 (cited by OMIM); PubMed 10930360 (cited by OMIM); PubMed 10500018 (cited by OMIM); PubMed 12375236 (cited by OMIM); PubMed 12923861 (cited by OMIM); PubMed 15979034 (cited by OMIM); PubMed 25227144 (cited by Department of Pharmacy and Biotechnology, University of Bologna).

NM_002454.3(MTRR):c.66A>G (p.Ile22Met)

Gene: MTRR (5-methyltetrahydrofolate-homocysteine methyltransferase reductase; plus strand). Cytogenetic location: 5p15.31.
Variant type: single nucleotide variant.
Coding change: c.66A>G on transcript NM_002454.3 (MANE Select); coding-DNA position 66, A replaced by G.
Protein change: p.Ile22Met; replaces isoleucine 22 with methionine.
Molecular consequence: missense variant. On other transcripts: non-coding transcript variant (14).
Genome position (GRCh38, 1-based): chr5:7,870,860, A>G. VCF-style: chr5-7870860-A-G. GRCh37 (hg19) VCF-style: chr5-7870973-A-G.
Other names: p.I49M:ATA>ATG; c.66A>G, p.Ile22Met (NM_001364440.2, NM_001364441.2, NM_001364442.2 and 1 more transcripts); short protein forms I22M.
Identifiers: ClinVar variation 7029 (VCV000007029.28), dbSNP rs1801394, ClinGen allele CA118595.